The following is an entry in ClinVar:

NM_001844.5(COL2A1):c.3927C>T (p.Asp1309=)

Gene: COL2A1 (collagen type II alpha 1 chain; minus strand). Cytogenetic location: 12q13.11.
Variant type: single nucleotide variant.
Coding change: c.3927C>T on transcript NM_001844.5 (MANE Select); coding-DNA position 3927, C replaced by T.
Protein change: p.Asp1309=; no amino-acid change (aspartic acid 1309 retained).
Molecular consequence: synonymous variant.
Genome position (GRCh38, 1-based): chr12:47,974,822, G>A on the plus strand (C>T on the coding strand, the complement: COL2A1 is on the minus strand). VCF-style: chr12-47974822-G-A. GRCh37 (hg19) VCF-style: chr12-48368605-G-A.
Other names: c.3720C>T, p.Asp1240= (NM_033150.3).
Identifiers: ClinVar variation 510791 (VCV000510791.10), dbSNP rs774100575, ClinGen allele CA6534600.

ClinVar aggregate classification (germline): Likely benign. Review status: criteria provided, multiple submitters, no conflicts (2 of 4 stars). 4 submissions from 4 submitters: Likely benign (3). 1 of the submissions does not count toward it. Last evaluated 2025-12-10.

Conditions:
COL2A1-related disorder. Also called: COL2A1-related condition; COL2A1-related disorders.

Allele frequency attached by ClinVar (database versions not stated): TOPMed below 0.00001; gnomAD 0.00001; ExAC 0.00002; gnomAD exomes 0.00002 and 0.00006.

Submissions (4):

Labcorp Genetics (formerly Invitae), Labcorp
Classification: Likely benign. Last evaluated: 2025-12-10. Review status: criteria provided, single submitter. Criteria: Invitae Variant Classification Sherloc (09022015). Collection method: clinical testing. Allele origin: germline.

Blueprint Genetics
Classification: Likely benign. Last evaluated: 2024-09-23. Review status: criteria provided, single submitter. Criteria: ACMG Guidelines, 2015. Collection method: clinical testing. Allele origin: germline.

GeneDx
Classification: Likely benign. Last evaluated: 2017-07-13. Review status: criteria provided, single submitter. Criteria: GeneDx Variant Classification (06012015). Collection method: clinical testing. Allele origin: germline. Affected: yes.
Comment: This variant is considered likely benign or benign based on one or more of the following criteria: it is a conservative change, it occurs at a poorly conserved position in the protein, it is predicted to be benign by multiple in silico algorithms, and/or has population frequency not consistent with disease.

PreventionGenetics, part of Exact Sciences
Classification: Likely benign for COL2A1-related condition. Last evaluated: 2024-05-16. Review status: no assertion criteria provided. Collection method: clinical testing. Allele origin: germline. Not counted in ClinVar's aggregate classification.
Comment: This variant is classified as likely benign based on ACMG/AMP sequence variant interpretation guidelines (Richards et al. 2015 PMID: 25741868, with internal and published modifications).